The following is an entry in ClinVar:

NM_000478.6(ALPL):c.449T>G (p.Ile150Ser)

Gene: ALPL (alkaline phosphatase, biomineralization associated; plus strand). Cytogenetic location: 1p36.12.
Variant type: single nucleotide variant.
Coding change: c.449T>G on transcript NM_000478.6 (MANE Select); coding-DNA position 449, T replaced by G.
Protein change: p.Ile150Ser; replaces isoleucine 150 with serine.
Molecular consequence: missense variant.
Genome position (GRCh38, 1-based): chr1:21,563,261, T>G. VCF-style: chr1-21563261-T-G. GRCh37 (hg19) VCF-style: chr1-21889754-T-G.
Other names: c.284T>G, p.Ile95Ser (NM_001127501.4); c.218T>G, p.Ile73Ser (NM_001177520.3); c.449T>G, p.Ile150Ser (NM_001369803.2, NM_001369804.2, NM_001369805.2); short protein forms I150S, I73S, I95S.
Identifiers: ClinVar variation 4086807 (VCV004086807.1).
Genomic context (GRCh38, chr1:21,563,261, plus strand): 5'-TAAGCGCAGCCACTGAGCGTTCCCGGTGCAACACCACCCAGGGGAACGAGGTCACCTCCA[T>G]CCTGCGCTGGGCCAAGGACGCTGGTGAGTCGGGGGAGCAGTGGGGAGCAGGGCCAGCTTC-3'
Protein context (NP_000469.3, residues 140-160): NTTQGNEVTS[Ile150Ser]LRWAKDAGKS

ClinVar aggregate classification (germline): Uncertain significance (1 of 4 stars; one submission).

Conditions:
Hypophosphatasia. Also called: Phosphoethanol-aminuria. Identifiers: Orphanet 436, MedGen C0020630, MeSH D007014, MONDO:0018570.

Submission:

Genomenon, Inc
Classification: Uncertain significance for Hypophosphatasia. Last evaluated: 2025-08-29. Review status: criteria provided, single submitter. Criteria: Genomenon Sequence Variant Interpretation Standards. Collection method: curation. Allele origin: germline. Affected: no.
Comment: ALPL c.449T>G is a missense variant that changes the amino acid at residue 150 from Isoleucine to Serine. This variant has been reported in the published literature (PMID:30293248). It is absent or not present at a significant frequency in gnomAD. In silico models agree that this variant is possibly or probably damaging. In conclusion, we classify ALPL p.Ile150Ser (c.449T>G) as a variant of unknown significance.

Literature cited by the submitters: PubMed 30293248.